The following is an entry in ClinVar:

ClinVar aggregate classification (germline): Uncertain significance (1 of 4 stars; one submission).

Allele frequency attached by ClinVar (database versions not stated): gnomAD exomes below 0.00001.
gnomAD v4.1: 1 of 1,614,084 alleles (0.000062%); highest among the groups gnomAD compares: Admixed American, 0.0017%; no homozygotes.

Submission:

Ambry Genetics
Classification: Uncertain significance. Last evaluated: 2023-02-06. Review status: criteria provided, single submitter. Criteria: Ambry Variant Classification Scheme 2023. Collection method: clinical testing. Allele origin: germline.
Comment: The p.F398L variant (also known as c.1192T>C), located in coding exon 9 of the RINT1 gene, results from a T to C substitution at nucleotide position 1192. The phenylalanine at codon 398 is replaced by leucine, an amino acid with highly similar properties. This amino acid position is conserved. In addition, the in silico prediction for this alteration is inconclusive. Since supporting evidence is limited at this time, the clinical significance of this alteration remains unclear.

NM_021930.6(RINT1):c.1192T>C (p.Phe398Leu)

Gene: RINT1 (RAD50 interactor 1; plus strand). Cytogenetic location: 7q22.3.
Variant type: single nucleotide variant.
Coding change: c.1192T>C on transcript NM_021930.6 (MANE Select); coding-DNA position 1192, T replaced by C.
Protein change: p.Phe398Leu; replaces phenylalanine 398 with leucine.
Molecular consequence: missense variant. On other transcripts: non-coding transcript variant (1).
Genome position (GRCh38, 1-based): chr7:105,550,345, T>C. VCF-style: chr7-105550345-T-C. GRCh37 (hg19) VCF-style: chr7-105190792-T-C.
Other names: c.169T>C, p.Phe57Leu (NM_001346600.2, NM_001346603.2); c.268T>C, p.Phe90Leu (NM_001346601.2); c.958T>C, p.Phe320Leu (NM_001346599.2); short protein forms F320L, F90L, F398L, F57L.
Identifiers: ClinVar variation 2448425 (VCV002448425.2), dbSNP rs1192831879, ClinGen allele CA368809117.